The following is an entry in ClinVar:

NM_006565.4(CTCF):c.1049C>T (p.Pro350Leu)

Gene: CTCF (CCCTC-binding factor; plus strand). Cytogenetic location: 16q22.1.
Variant type: single nucleotide variant.
Coding change: c.1049C>T on transcript NM_006565.4 (MANE Select); coding-DNA position 1049, C replaced by T.
Protein change: p.Pro350Leu; replaces proline 350 with leucine.
Molecular consequence: missense variant.
Genome position (GRCh38, 1-based): chr16:67,616,841, C>T. VCF-style: chr16-67616841-C-T. GRCh37 (hg19) VCF-style: chr16-67650744-C-T.
Other names: c.65C>T, p.Pro22Leu (NM_001191022.2); c.1049C>T, p.Pro350Leu (NM_001363916.2, NM_001438968.1, NM_001438969.1); short protein forms P22L, P350L.
Identifiers: ClinVar variation 4883259 (VCV004883259.2).
Genomic context (GRCh38, chr16:67,616,841, plus strand): 5'-CCTTTGTGACCAGTGGAGAATTGGTTCGGCATCGTCGTTACAAACACACCCACGAGAAGC[C>T]ATTCAAGTGTTCCATGTGCGATTACGCCAGTGTAGAAGTGAGTGTTCAGCTTTTTGTTGG-3'
Protein context (NP_006556.1, residues 340-360): HRRYKHTHEK[Pro350Leu]FKCSMCDYAS

ClinVar aggregate classification (germline): Uncertain significance (1 of 4 stars; one submission).

Conditions:
CTCF-related neurodevelopmental disorder. Also called: Intellectual disability-feeding difficulties-developmental delay-microcephaly syndrome; INTELLECTUAL DEVELOPMENTAL DISORDER, AUTOSOMAL DOMINANT 21. Identifiers: Orphanet 363611, MedGen C3809686, MONDO:0014213, OMIM 615502.

gnomAD v4.1: 1 of 1,614,010 alleles (0.000062%); highest among the groups gnomAD compares: Non-Finnish European, 0.000085%; no homozygotes.

Submission:

Dasa
Classification: Uncertain significance for intellectual disability-feeding difficulties-developmental delay-microcephaly syndrome. Last evaluated: 2025-03-29. Review status: criteria provided, single submitter. Criteria: DASA Assertion Criteria. Collection method: clinical testing. Allele origin: germline.
Comment: NM_006565.4(CTCF):c.1049C>T (p.Pro350Leu) is a missense variant that results in the substitution of proline with leucine. This variant is rare in population databases. The currently available literature and clinical evidence are not sufficient to establish a definitive association between this variant and the reported condition. Therefore, this variant is classified as a variant of uncertain significance.